The following is an entry in ClinVar:

NM_020822.3(KCNT1):c.775G>A (p.Ala259Thr)

Gene: KCNT1 (potassium sodium-activated channel subfamily T member 1; plus strand). Cytogenetic location: 9q34.3.
Variant type: single nucleotide variant.
Coding change: c.775G>A on transcript NM_020822.3 (MANE Select); coding-DNA position 775, G replaced by A.
Protein change: p.Ala259Thr; replaces alanine 259 with threonine.
Molecular consequence: missense variant.
Genome position (GRCh38, 1-based): chr9:135,758,429, G>A. VCF-style: chr9-135758429-G-A. GRCh37 (hg19) VCF-style: chr9-138650275-G-A.
Other names: c.631G>A, p.Ala211Thr (NM_001272003.2); short protein forms A211T, A259T.
Identifiers: ClinVar variation 864705 (VCV000864705.10), dbSNP rs1831666357, ClinGen allele CA375498075.

ClinVar aggregate classification (germline): Likely pathogenic (1 of 4 stars; one submission).

Conditions:
Autosomal dominant nocturnal frontal lobe epilepsy 5. Also called: Epilepsy, nocturnal frontal lobe, 5; CILIARY DYSKINESIA, PRIMARY, 28, WITHOUT SITUS INVERSUS; CILIARY DYSKINESIA, PRIMARY, 28, WITH SITUS INVERSUS; KCNT1-Related Epilepsy. Identifiers: Orphanet 98784, MedGen C3554306, MONDO:0014002, OMIM 615005.
Developmental and epileptic encephalopathy, 14 (DEE14). Also called: Early infantile epileptic encephalopathy 14. Identifiers: Orphanet 293181, MedGen C3554195, MONDO:0013989, OMIM 614959.

Submission:

Labcorp Genetics (formerly Invitae), Labcorp
Classification: Likely pathogenic for Autosomal dominant nocturnal frontal lobe epilepsy 5; Developmental and epileptic encephalopathy, 14. Last evaluated: 2022-02-24. Review status: criteria provided, single submitter. Criteria: Invitae Variant Classification Sherloc (09022015). Collection method: clinical testing. Allele origin: germline.
Comment: In summary, the currently available evidence indicates that the variant is pathogenic, but additional data are needed to prove that conclusively. Therefore, this variant has been classified as Likely Pathogenic. This variant disrupts the p.Ala259 amino acid residue in KCNT1. Other variant(s) that disrupt this residue have been determined to be pathogenic (PMID: 30182418). This suggests that this residue is clinically significant, and that variants that disrupt this residue are likely to be disease-causing. Advanced modeling of protein sequence and biophysical properties (such as structural, functional, and spatial information, amino acid conservation, physicochemical variation, residue mobility, and thermodynamic stability) performed at Invitae indicates that this missense variant is expected to disrupt KCNT1 protein function. ClinVar contains an entry for this variant (Variation ID: 864705). This variant has not been reported in the literature in individuals affected with KCNT1-related conditions. This variant is not present in population databases (gnomAD no frequency). This sequence change replaces alanine, which is neutral and non-polar, with threonine, which is neutral and polar, at codon 259 of the KCNT1 protein (p.Ala259Thr).

Literature cited by the submitters: PubMed 30182418.